The following is an entry in ClinVar:

ClinVar aggregate classification (germline): Likely benign (1 of 4 stars; one submission).

Conditions:
PRIMPOL-related disorder. Also called: PRIMPOL-related condition.

gnomAD v4.1: 87 of 1,609,544 alleles (0.0054%); highest among the groups gnomAD compares: African/African-American, 0.093%; no homozygotes.

Submission:

PreventionGenetics, part of Exact Sciences
Classification: Likely benign for PRIMPOL-related condition. Last evaluated: 2026-09-17. Review status: criteria provided, single submitter. Criteria: ACMG Guidelines, 2015. Collection method: clinical testing. Allele origin: germline.
Comment: This variant is classified as likely benign based on ACMG/AMP sequence variant interpretation guidelines (Richards et al. 2015 PMID: 25741868, with internal and published modifications).

NM_152683.4(PRIMPOL):c.183C>T (p.Asp61=)

Gene: PRIMPOL (primase and DNA directed polymerase; plus strand). Cytogenetic location: 4q35.1.
Variant type: single nucleotide variant.
Coding change: c.183C>T on transcript NM_152683.4 (MANE Select); coding-DNA position 183, C replaced by T.
Protein change: p.Asp61=; no amino-acid change (aspartic acid 61 retained).
Molecular consequence: synonymous variant. On other transcripts: 5 prime UTR variant (6), non-coding transcript variant (3).
Genome position (GRCh38, 1-based): chr4:184,659,342, C>T. VCF-style: chr4-184659342-C-T. GRCh37 (hg19) VCF-style: chr4-185580496-C-T.
Other names: c.-205C>T (NM_001300767.2); c.183C>T, p.Asp61= (NM_001300768.2, NM_001345891.2, NM_001345892.2 and 4 more transcripts); c.-384C>T (NM_001345894.2, NM_001345897.2, NM_001345898.2 and 1 more transcripts); c.-65C>T (NM_001345900.2).
Identifiers: ClinVar variation 4986311 (VCV004986311.1).